The following is an entry in ClinVar:

ClinVar aggregate classification (germline): Uncertain significance. Review status: criteria provided, multiple submitters, no conflicts (2 of 4 stars). 2 submissions from 2 submitters: Uncertain significance (2). Last evaluated 2024-08-29.

gnomAD v4.1: 6 of 1,613,512 alleles (0.00037%); highest among the groups gnomAD compares: Non-Finnish European, 0.00051%; no homozygotes.

Submissions (2):

Labcorp Genetics (formerly Invitae), Labcorp
Classification: Uncertain significance. Last evaluated: 2024-08-29. Review status: criteria provided, single submitter. Criteria: Invitae Variant Classification Sherloc (09022015). Collection method: clinical testing. Allele origin: germline.
Comment: This sequence change replaces asparagine, which is neutral and polar, with serine, which is neutral and polar, at codon 2694 of the ADGRV1 protein (p.Asn2694Ser). This variant is present in population databases (rs145965201, gnomAD 0.002%). This variant has not been reported in the literature in individuals affected with ADGRV1-related conditions. Invitae Evidence Modeling of protein sequence and biophysical properties (such as structural, functional, and spatial information, amino acid conservation, physicochemical variation, residue mobility, and thermodynamic stability) indicates that this missense variant is not expected to disrupt ADGRV1 protein function with a negative predictive value of 95%. In summary, the available evidence is currently insufficient to determine the role of this variant in disease. Therefore, it has been classified as a Variant of Uncertain Significance.

Blueprint Genetics
Classification: Uncertain significance. Last evaluated: 2022-04-11. Review status: criteria provided, single submitter. Criteria: ACMG Guidelines, 2015. Collection method: clinical testing. Allele origin: germline.

NM_032119.4(ADGRV1):c.8081A>G (p.Asn2694Ser)

Gene: ADGRV1 (adhesion G protein-coupled receptor V1; plus strand). Cytogenetic location: 5q14.3.
Variant type: single nucleotide variant.
Coding change: c.8081A>G on transcript NM_032119.4 (MANE Select); coding-DNA position 8081, A replaced by G.
Protein change: p.Asn2694Ser; replaces asparagine 2694 with serine.
Molecular consequence: missense variant. On other transcripts: non-coding transcript variant (1).
Genome position (GRCh38, 1-based): chr5:90,697,072, A>G. VCF-style: chr5-90697072-A-G. GRCh37 (hg19) VCF-style: chr5-89992889-A-G.
Other names: short protein forms N2694S.
Identifiers: ClinVar variation 3630224 (VCV003630224.2).